The following is an entry in ClinVar:

NM_004104.5(FASN):c.3020G>C (p.Gly1007Ala)

Gene: FASN (fatty acid synthase; minus strand). Cytogenetic location: 17q25.3.
Variant type: single nucleotide variant.
Coding change: c.3020G>C on transcript NM_004104.5 (MANE Select); coding-DNA position 3020, G replaced by C.
Protein change: p.Gly1007Ala; replaces glycine 1007 with alanine.
Molecular consequence: missense variant.
Genome position (GRCh38, 1-based): chr17:82,087,708, C>G on the plus strand (G>C on the coding strand, the complement: FASN is on the minus strand). VCF-style: chr17-82087708-C-G. GRCh37 (hg19) VCF-style: chr17-80045584-C-G.
Other names: short protein forms G1007A.
Identifiers: ClinVar variation 4737483 (VCV004737483.1).
Genomic context (GRCh38, chr17:82,087,708, plus strand): 5'-CCCCGGTGGCTTGGGCAGCAGTGTAGTCAGTACCCACCTTCCAGGCTGGCCTCCAGGATG[C>G]CCTGGAAATGAGGGCCGTAGTCGTAGCCACGCAGACGCAGCTCCTTGTAAACTTCAGCCT-3'
Protein context (NP_004095.4, residues 997-1017): RGYDYGPHFQ[Gly1007Ala]ILEASLEGDS

ClinVar aggregate classification (germline): Uncertain significance (1 of 4 stars; one submission).

Conditions:
Epileptic encephalopathy. Identifiers: MedGen C0543888, HP:0200134.

gnomAD v4.1: 4 of 1,612,028 alleles (0.00025%); highest among the groups gnomAD compares: Admixed American, 0.0067%; no homozygotes.

Submission:

Labcorp Genetics (formerly Invitae), Labcorp
Classification: Uncertain significance for Epileptic encephalopathy. Last evaluated: 2025-10-17. Review status: criteria provided, single submitter. Criteria: Invitae Variant Classification Sherloc (09022015). Collection method: clinical testing. Allele origin: germline.
Comment: This sequence change replaces glycine, which is neutral and non-polar, with alanine, which is neutral and non-polar, at codon 1007 of the FASN protein (p.Gly1007Ala). This variant is present in population databases (rs780777690, gnomAD 0.01%). This variant has not been reported in the literature in individuals affected with FASN-related conditions. An algorithm developed to predict the effect of missense changes on protein structure and function (PolyPhen-2) suggests that this variant is likely to be disruptive. In summary, the available evidence is currently insufficient to determine the role of this variant in disease. Therefore, it has been classified as a Variant of Uncertain Significance.